The following is an entry in ClinVar:

NM_006206.6(PDGFRA):c.1990T>C (p.Cys664Arg)

Gene: PDGFRA (platelet derived growth factor receptor alpha; plus strand). Cytogenetic location: 4q12.
Variant type: single nucleotide variant.
Coding change: c.1990T>C on transcript NM_006206.6 (MANE Select); coding-DNA position 1990, T replaced by C.
Protein change: p.Cys664Arg; replaces cysteine 664 with arginine.
Molecular consequence: missense variant.
Genome position (GRCh38, 1-based): chr4:54,277,994, T>C. VCF-style: chr4-54277994-T-C. GRCh37 (hg19) VCF-style: chr4-55144161-T-C.
Other names: c.1990T>C, p.Cys664Arg (NM_001347827.2, NM_001347829.2); c.2065T>C, p.Cys689Arg (NM_001347828.2); c.2029T>C, p.Cys677Arg (NM_001347830.2); short protein forms C677R, C689R, C664R.
Identifiers: ClinVar variation 4134015 (VCV004134015.1).

ClinVar aggregate classification (germline): Uncertain significance (1 of 4 stars; one submission).

Conditions:
Hereditary cancer-predisposing syndrome. Also called: Hereditary neoplastic syndrome; Neoplastic Syndromes, Hereditary; Tumor predisposition; Hereditary Cancer Syndrome. Identifiers: Orphanet 140162, MedGen C0027672, MeSH D009386, MONDO:0015356.

Submission:

Ambry Genetics
Classification: Uncertain significance for Hereditary cancer-predisposing syndrome. Last evaluated: 2025-08-30. Review status: criteria provided, single submitter. Criteria: Ambry Variant Classification Scheme 2023. Collection method: clinical testing. Allele origin: germline.
Comment: The p.C664R variant (also known as c.1990T>C), located in coding exon 13 of the PDGFRA gene, results from a T to C substitution at nucleotide position 1990. The cysteine at codon 664 is replaced by arginine, an amino acid with highly dissimilar properties. This amino acid position is conserved. In addition, this alteration is predicted to be deleterious by in silico analysis. Based on the available evidence, the clinical significance of this variant remains unclear.